The following is an entry in ClinVar:

NM_001195305.3(BBIP1):c.112+5G>C

Gene: BBIP1 (BBSome interacting protein 1; minus strand). Cytogenetic location: 10q25.2.
Variant type: single nucleotide variant.
Coding change: c.112+5G>C on transcript NM_001195305.3 (MANE Select); 5 bases into the intron after coding-DNA position 112, G replaced by C.
Molecular consequence: intron variant.
Genome position (GRCh38, 1-based): chr10:110,901,533, C>G on the plus strand (G>C on the coding strand, the complement: BBIP1 is on the minus strand). VCF-style: chr10-110901533-C-G. GRCh37 (hg19) VCF-style: chr10-112661291-C-G.
Other names: c.112+5G>C (NM_001195306.2); c.46+5G>C (NM_001243783.3); c.38-1007G>C (NM_001195307.2); c.269+5G>C (NM_001195304.2).
Identifiers: ClinVar variation 3351110 (VCV003351110.2).

ClinVar aggregate classification (germline): Uncertain significance. Review status: criteria provided, single submitter (1 of 4 stars). 2 submissions from 2 submitters: Uncertain significance (1). 1 of the submissions does not count toward it. Last evaluated 2025-04-11.

Conditions:
BBIP1-related disorder. Also called: BBIP1-related condition.

gnomAD v4.1: 4 of 1,526,146 alleles (0.00026%); highest among the groups gnomAD compares: Non-Finnish European, 0.00035%; no homozygotes.

Submissions (2):

Labcorp Genetics (formerly Invitae), Labcorp
Classification: Uncertain significance. Last evaluated: 2025-04-11. Review status: criteria provided, single submitter. Criteria: Invitae Variant Classification Sherloc (09022015). Collection method: clinical testing. Allele origin: germline.
Comment: This sequence change falls in intron 3 of the BBIP1 gene. It does not directly change the encoded amino acid sequence of the BBIP1 protein. It affects a nucleotide within the consensus splice site. This variant is present in population databases (no rsID available, gnomAD 0.01%). This variant has not been reported in the literature in individuals affected with BBIP1-related conditions. ClinVar contains an entry for this variant (Variation ID: 3351110). Variants that disrupt the consensus splice site are a relatively common cause of aberrant splicing (PMID: 17576681, 9536098). Algorithms developed to predict the effect of sequence changes on RNA splicing suggest that this variant may disrupt the consensus splice site. In summary, the available evidence is currently insufficient to determine the role of this variant in disease. Therefore, it has been classified as a Variant of Uncertain Significance.

PreventionGenetics, part of Exact Sciences
Classification: Likely benign for BBIP1-related condition. Last evaluated: 2021-02-18. Review status: no assertion criteria provided. Collection method: clinical testing. Allele origin: germline. Not counted in ClinVar's aggregate classification.
Comment: This variant is classified as likely benign based on ACMG/AMP sequence variant interpretation guidelines (Richards et al. 2015 PMID: 25741868, with internal and published modifications).

Literature cited by the submitters: PubMed 17576681 (cited by Labcorp Genetics (formerly Invitae), Labcorp); PubMed 9536098 (cited by Labcorp Genetics (formerly Invitae), Labcorp).